The following is an entry in ClinVar:

ClinVar aggregate classification (germline): Likely pathogenic (1 of 4 stars; one submission).

gnomAD v4.1: 1 of 1,612,002 alleles (0.000062%); no homozygotes.

Submission:

GeneDx
Classification: Likely pathogenic. Last evaluated: 2023-08-26. Review status: criteria provided, single submitter. Criteria: GeneDx Variant Classification Process June 2021. Collection method: clinical testing. Allele origin: germline. Affected: yes.
Comment: Reported in a patient with tetralogy of Fallot, but detailed clinical and familial segregation information were not provided (Reuter et al., 2021); Alters the last nucleotide of the exon and is predicted to destroy the splice donor site and result in aberrant splicing, although in the absence of functional evidence the actual effect of this sequence change is unknown; Not observed at significant frequency in large population cohorts (gnomAD); This variant is associated with the following publications: (PMID: 34328347)

NM_182925.5(FLT4):c.513G>A (p.Ser171=)

Gene: FLT4 (fms related receptor tyrosine kinase 4; minus strand). Cytogenetic location: 5q35.3.
Variant type: single nucleotide variant.
Coding change: c.513G>A on transcript NM_182925.5 (MANE Select); coding-DNA position 513, G replaced by A.
Protein change: p.Ser171=; no amino-acid change (serine 171 retained).
Molecular consequence: synonymous variant.
Genome position (GRCh38, 1-based): chr5:180,630,225, C>T on the plus strand (G>A on the coding strand, the complement: FLT4 is on the minus strand). VCF-style: chr5-180630225-C-T. GRCh37 (hg19) VCF-style: chr5-180057225-C-T.
Other names: c.513G>A, p.Ser171= (NM_001354989.2, NM_002020.5).
Identifiers: ClinVar variation 3342846 (VCV003342846.1).
Genomic context (GRCh38, chr5:180,630,225, plus strand): 5'-GCCGCCTTTCCCAGGGGTGGGATGGGAGGGTCGGATGCTGGGGTTGGGGTGGGGCCGTAC[C>T]GAGCGCAGCGTGACATTGAGGCCGGGGATGGACACCAGACAGGGCACCCACATGGCGTCC-3'
Protein context (NP_891555.2, residues 161-181): SIPGLNVTLR[Ser171=]QSSVLWPDGQ